The following is an entry in ClinVar:

NM_001875.5(CPS1):c.3272T>G (p.Ile1091Ser)

Gene: CPS1 (carbamoyl-phosphate synthase 1; plus strand). Cytogenetic location: 2q34.
Variant type: single nucleotide variant.
Coding change: c.3272T>G on transcript NM_001875.5 (MANE Select); coding-DNA position 3272, T replaced by G.
Protein change: p.Ile1091Ser; replaces isoleucine 1091 with serine.
Molecular consequence: missense variant. On other transcripts: non-coding transcript variant (2).
Genome position (GRCh38, 1-based): chr2:210,647,993, T>G. VCF-style: chr2-210647993-T-G. GRCh37 (hg19) VCF-style: chr2-211512717-T-G.
Other names: c.3272T>G, p.Ile1091Ser (NM_001122633.3, NM_001369257.1); c.3305T>G, p.Ile1102Ser (NM_001369256.1); short protein forms I1091S, I1102S.
Identifiers: ClinVar variation 969569 (VCV000969569.9), dbSNP rs538878532, ClinGen allele CA2086876.

ClinVar aggregate classification (germline): Uncertain significance. Review status: criteria provided, single submitter (1 of 4 stars). 2 submissions from 2 submitters: Uncertain significance (1). 1 of the submissions does not count toward it. Last evaluated 2022-09-13.

Conditions:
Congenital hyperammonemia, type I. Also called: CPS I DEFICIENCY; Carbamoyl-phosphate synthase I deficiency; Carbamoyl phosphate synthetase 1 deficiency; Hyperammonemia due to carbamoyl phosphate synthetase 1 deficiency; CPS 1 deficiency; Carbamyl phosphate synthetase (CPS) deficiency. Identifiers: Orphanet 147, MedGen C4082171, MONDO:0009376, OMIM 237300.

Allele frequency attached by ClinVar (database versions not stated): ExAC 0.00001; gnomAD 0.00001; gnomAD exomes 0.00001; TOPMed 0.00001; 1000 Genomes Project 0.00040; 1000 Genomes Project 30x 0.00047.
gnomAD v4.1: 7 of 1,614,052 alleles (0.00043%); highest among the groups gnomAD compares: Admixed American, 0.012%; no homozygotes.

Submissions (2):

Labcorp Genetics (formerly Invitae), Labcorp
Classification: Uncertain significance for Congenital hyperammonemia, type I. Last evaluated: 2022-09-13. Review status: criteria provided, single submitter. Criteria: Invitae Variant Classification Sherloc (09022015). Collection method: clinical testing. Allele origin: germline.
Comment: This sequence change replaces isoleucine, which is neutral and non-polar, with serine, which is neutral and polar, at codon 1091 of the CPS1 protein (p.Ile1091Ser). This variant is present in population databases (rs538878532, gnomAD 0.006%). This variant has not been reported in the literature in individuals affected with CPS1-related conditions. ClinVar contains an entry for this variant (Variation ID: 969569). Advanced modeling of protein sequence and biophysical properties (such as structural, functional, and spatial information, amino acid conservation, physicochemical variation, residue mobility, and thermodynamic stability) performed at Invitae indicates that this missense variant is not expected to disrupt CPS1 protein function. In summary, the available evidence is currently insufficient to determine the role of this variant in disease. Therefore, it has been classified as a Variant of Uncertain Significance.

Natera, Inc.
Classification: Uncertain significance for Carbamoyl-phosphate synthase I deficiency. Last evaluated: 2021-03-16. Review status: no assertion criteria provided. Collection method: clinical testing. Allele origin: germline. Not counted in ClinVar's aggregate classification.